The following is an entry in ClinVar:

ClinVar aggregate classification (germline): Likely pathogenic (1 of 4 stars; one submission).

Conditions:
Orofaciodigital syndrome type 6 (OFD6). Also called: OROFACIODIGITAL SYNDROME VI; OFDS VI; POLYDACTYLY, CLEFT LIP/PALATE OR LINGUAL LUMP, AND PSYCHOMOTOR RETARDATION; VARADI SYNDROME; VARADI-PAPP SYNDROME; Oral-facial-digital syndrome type 6. Identifiers: Orphanet 2754, MedGen C2745997, MONDO:0010176, OMIM 277170.

Submission:

3billion
Classification: Likely pathogenic for Orofaciodigital syndrome type 6. Last evaluated: 2022-05-22. Review status: criteria provided, single submitter. Criteria: ACMG Guidelines, 2015. Collection method: clinical testing. Allele origin: germline. Affected: yes. Observed: 1 heterozygote.
Comment: The variant is not observed in the gnomAD v2.1.1 dataset. Stop-gained (nonsense): predicted to result in a loss or disruption of normal protein function through nonsense-mediated decay (NMD) or protein truncation. Multiple pathogenic variants are reported downstream of the variant. Therefore, this variant is classified as likely pathogenic according to the recommendation of ACMG/AMP guideline.

NM_001384732.1(CPLANE1):c.6286C>T (p.Gln2096Ter)

Gene: CPLANE1 (ciliogenesis and planar polarity effector complex subunit 1; minus strand). Cytogenetic location: 5p13.2.
Variant type: single nucleotide variant.
Coding change: c.6286C>T on transcript NM_001384732.1 (MANE Select); coding-DNA position 6286, C replaced by T.
Protein change: p.Gln2096Ter; replaces glutamine 2096 with a stop codon.
Molecular consequence: nonsense.
Genome position (GRCh38, 1-based): chr5:37,170,217, G>A on the plus strand (C>T on the coding strand, the complement: CPLANE1 is on the minus strand). VCF-style: chr5-37170217-G-A. GRCh37 (hg19) VCF-style: chr5-37170319-G-A.
Other names: c.6286C>T, p.Gln2096Ter (NM_023073.4); short protein forms Q2096*.
Identifiers: ClinVar variation 1687515 (VCV001687515.1), dbSNP rs2150954061, ClinGen allele CA359482319.